The following is an entry in ClinVar:

ClinVar aggregate classification (germline): Likely benign. Review status: criteria provided, multiple submitters, no conflicts (2 of 4 stars). 2 submissions from 2 submitters: Likely benign (2). Last evaluated 2025-05-19.

Conditions:
Tuberous sclerosis 2 (TSC2). Identifiers: Orphanet 805, MedGen C1860707, MONDO:0013199, OMIM 613254.

Allele frequency attached by ClinVar (database versions not stated): gnomAD exomes below 0.00001 and 0.00001.
gnomAD v4.1: 9 of 1,613,782 alleles (0.00056%); highest among the groups gnomAD compares: African/African-American, 0.0013%; no homozygotes.

Submissions (2):

Myriad Genetics, Inc.
Classification: Likely benign for Tuberous sclerosis 2. Last evaluated: 2025-05-19. Review status: criteria provided, single submitter. Criteria: Myriad Autosomal Dominant, Autosomal Recessive and X-Linked Classification Criteria (2023). Collection method: clinical testing. Allele origin: unknown.
Comment: This variant is considered likely benign. This variant is intronic and is not expected to impact mRNA splicing.

Labcorp Genetics (formerly Invitae), Labcorp
Classification: Likely benign for Tuberous sclerosis 2. Last evaluated: 2025-02-02. Review status: criteria provided, single submitter. Criteria: Invitae Variant Classification Sherloc (09022015). Collection method: clinical testing. Allele origin: germline.

NM_000548.5(TSC2):c.2098-17G>A

Gene: TSC2 (TSC complex subunit 2; plus strand). Cytogenetic location: 16p13.3.
Variant type: single nucleotide variant.
Coding change: c.2098-17G>A on transcript NM_000548.5 (MANE Select); 17 bases into the intron before coding-DNA position 2098, G replaced by A.
Molecular consequence: intron variant.
Genome position (GRCh38, 1-based): chr16:2,072,224, G>A. VCF-style: chr16-2072224-G-A. GRCh37 (hg19) VCF-style: chr16-2122225-G-A.
Other names: c.2098-17G>A (NM_001114382.3, NM_021055.3, NM_001370405.1 and 3 more transcripts); c.1987-17G>A (NM_001318827.2); c.1498-17G>A (NM_001318831.2); c.1951-17G>A (NM_001318829.2); c.2131-17G>A (NM_001318832.2).
Identifiers: ClinVar variation 1594668 (VCV001594668.9), dbSNP rs759006353, ClinGen allele CA276738166.